The following is an entry in ClinVar:

ClinVar aggregate classification (germline): Likely benign. Review status: criteria provided, multiple submitters, no conflicts (2 of 4 stars). 2 submissions from 2 submitters: Likely benign (2). Last evaluated 2026-06-01.

Allele frequency attached by ClinVar (database versions not stated): gnomAD exomes 0.00001; TOPMed 0.00001; ExAC 0.00002.
gnomAD v4.1: 8 of 1,614,022 alleles (0.0005%); highest among the groups gnomAD compares: Admixed American, 0.005%; no homozygotes.

Submissions (2):

CeGaT Center for Human Genetics Tuebingen
Classification: Likely benign. Last evaluated: 2026-06-01. Review status: criteria provided, single submitter. Criteria: CeGaT Center For Human Genetics Tuebingen Variant Classification Criteria Version 2. Collection method: clinical testing. Allele origin: germline. Affected: yes. Observed: 1 variant allele.
Comment: ATP6V1A: BP4, BP7

Labcorp Genetics (formerly Invitae), Labcorp
Classification: Likely benign. Last evaluated: 2025-05-08. Review status: criteria provided, single submitter. Criteria: Invitae Variant Classification Sherloc (09022015). Collection method: clinical testing. Allele origin: germline.

NM_001690.4(ATP6V1A):c.1347T>C (p.Asn449=)

Gene: ATP6V1A (ATPase H+ transporting V1 subunit A; plus strand). Cytogenetic location: 3q13.31.
Variant type: single nucleotide variant.
Coding change: c.1347T>C on transcript NM_001690.4 (MANE Select); coding-DNA position 1347, T replaced by C.
Protein change: p.Asn449=; no amino-acid change (asparagine 449 retained).
Molecular consequence: synonymous variant.
Genome position (GRCh38, 1-based): chr3:113,798,299, T>C. VCF-style: chr3-113798299-T-C. GRCh37 (hg19) VCF-style: chr3-113517146-T-C.
Identifiers: ClinVar variation 2173760 (VCV002173760.6), dbSNP rs770215668, ClinGen allele CA2548038.